The following is an entry in ClinVar:

NM_004370.6(COL12A1):c.4245T>A (p.Tyr1415Ter)

Gene: COL12A1 (collagen type XII alpha 1 chain; minus strand). Cytogenetic location: 6q13.
Variant type: single nucleotide variant.
Coding change: c.4245T>A on transcript NM_004370.6 (MANE Select); coding-DNA position 4245, T replaced by A.
Protein change: p.Tyr1415Ter; replaces tyrosine 1415 with a stop codon.
Molecular consequence: nonsense.
Genome position (GRCh38, 1-based): chr6:75,148,400, A>T on the plus strand (T>A on the coding strand, the complement: COL12A1 is on the minus strand). VCF-style: chr6-75148400-A-T. GRCh37 (hg19) VCF-style: chr6-75858116-A-T.
Other names: c.753T>A, p.Tyr251Ter (NM_080645.3); short protein forms Y1415*, Y251*.
Identifiers: ClinVar variation 2098502 (VCV002098502.4), dbSNP rs34830422, ClinGen allele CA364745432.

ClinVar aggregate classification (germline): Pathogenic (1 of 4 stars; one submission).

Conditions:
Ullrich congenital muscular dystrophy 2 (UCMD2). Identifiers: Orphanet 75840, MedGen C4225314, MONDO:0014654, OMIM 616470.
Bethlem myopathy 2 (BTHLM2). Identifiers: Orphanet 536516, Orphanet 610, MedGen C4225313, MONDO:0034022, OMIM 616471.

Submission:

Labcorp Genetics (formerly Invitae), Labcorp
Classification: Pathogenic for Bethlem myopathy 2; Ullrich congenital muscular dystrophy 2. Last evaluated: 2022-02-18. Review status: criteria provided, single submitter. Criteria: Invitae Variant Classification Sherloc (09022015). Collection method: clinical testing. Allele origin: germline.
Comment: This sequence change creates a premature translational stop signal (p.Tyr1415*) in the COL12A1 gene. It is expected to result in an absent or disrupted protein product. Loss-of-function variants in COL12A1 are known to be pathogenic (PMID: 24334604, 28973083). This variant is not present in population databases (gnomAD no frequency). This variant has not been reported in the literature in individuals affected with COL12A1-related conditions. For these reasons, this variant has been classified as Pathogenic.

Literature cited by the submitters: PubMed 24334604; PubMed 28973083.